The following is an entry in ClinVar:

NM_020791.4(TAOK1):c.1298G>A (p.Arg433His)

Gene: TAOK1 (TAO kinase 1; plus strand). Cytogenetic location: 17q11.2.
Variant type: single nucleotide variant.
Coding change: c.1298G>A on transcript NM_020791.4 (MANE Select); coding-DNA position 1298, G replaced by A.
Protein change: p.Arg433His; replaces arginine 433 with histidine.
Molecular consequence: missense variant.
Genome position (GRCh38, 1-based): chr17:29,502,683, G>A. VCF-style: chr17-29502683-G-A. GRCh37 (hg19) VCF-style: chr17-27829701-G-A.
Other names: c.1298G>A, p.Arg433His (NM_025142.1); short protein forms R433H.
Identifiers: ClinVar variation 3049147 (VCV003049147.16), dbSNP rs146410053, ClinGen allele CA8474643.

ClinVar aggregate classification (germline): Likely benign. Review status: criteria provided, single submitter (1 of 4 stars). 2 submissions from 2 submitters: Likely benign (1). 1 of the submissions does not count toward it. Last evaluated 2024-09-01.

Conditions:
TAOK1-related disorder. Also called: TAOK1-related condition.

Allele frequency attached by ClinVar (database versions not stated): gnomAD exomes 0.00014; ExAC 0.00044; 1000 Genomes Project 30x 0.00109; 1000 Genomes Project 0.00140; gnomAD 0.00143; ESP Exome Variant Server 0.00146; TOPMed 0.00163.
gnomAD v4.1: 448 of 1,613,514 alleles (0.028%); highest among the groups gnomAD compares: African/African-American, 0.48%; no homozygotes.

Submissions (2):

CeGaT Center for Human Genetics Tuebingen
Classification: Likely benign. Last evaluated: 2024-09-01. Review status: criteria provided, single submitter. Criteria: CeGaT Center For Human Genetics Tuebingen Variant Classification Criteria Version 2. Collection method: clinical testing. Allele origin: germline. Affected: yes. Observed: 1 variant allele.
Comment: TAOK1: BS1

PreventionGenetics, part of Exact Sciences
Classification: Likely benign for TAOK1-related condition. Last evaluated: 2022-02-01. Review status: no assertion criteria provided. Collection method: clinical testing. Allele origin: germline. Not counted in ClinVar's aggregate classification.
Comment: This variant is classified as likely benign based on ACMG/AMP sequence variant interpretation guidelines (Richards et al. 2015 PMID: 25741868, with internal and published modifications).